The following is an entry in ClinVar:

NM_006236.3(POU3F3):c.163A>C (p.Ser55Arg)

Gene: POU3F3 (POU class 3 homeobox 3; plus strand). Cytogenetic location: 2q12.1.
Variant type: single nucleotide variant.
Coding change: c.163A>C on transcript NM_006236.3 (MANE Select); coding-DNA position 163, A replaced by C.
Protein change: p.Ser55Arg; replaces serine 55 with arginine.
Molecular consequence: missense variant.
Genome position (GRCh38, 1-based): chr2:104,855,673, A>C. VCF-style: chr2-104855673-A-C. GRCh37 (hg19) VCF-style: chr2-105472131-A-C.
Other names: short protein forms S55R.
Identifiers: ClinVar variation 2431793 (VCV002431793.2), dbSNP rs2466874241, ClinGen allele CA348096152.
Genomic context (GRCh38, chr2:104,855,673, plus strand): 5'-GGCGGCGGCGGCGGCGGCGGGGGCGGCGCAGGGGGCGGGGGCGGCGGCATGCAGCCGGGC[A>C]GCGCCGCCGTGACCTCGGGCGCCTACCGGGGGGACCCGTCCTCTGTCAAGATGGTCCAGA-3'
Protein context (NP_006227.1, residues 45-65): GGGGGGMQPG[Ser55Arg]AAVTSGAYRG

ClinVar aggregate classification (germline): Uncertain significance (1 of 4 stars; one submission).

Conditions:
Snijders blok-fisher syndrome. Identifiers: Orphanet 656135, MedGen C5231424, MONDO:0032830, OMIM 618604.

Submission:

Laboratorio de Genetica e Diagnostico Molecular, Hospital Israelita Albert Einstein
Classification: Uncertain significance for Snijders blok-fisher syndrome. Last evaluated: 2023-01-29. Review status: criteria provided, single submitter. Criteria: ACMG Guidelines, 2015. Collection method: clinical testing. Allele origin: germline. Affected: yes.
Comment: ACMG classification criteria: PM2 moderated, BP4 supporting